The following is an entry in ClinVar:

NM_002439.5(MSH3):c.712G>C (p.Glu238Gln)

Gene: MSH3 (mutS homolog 3; plus strand). Cytogenetic location: 5q14.1.
Variant type: single nucleotide variant.
Coding change: c.712G>C on transcript NM_002439.5 (MANE Select); coding-DNA position 712, G replaced by C.
Protein change: p.Glu238Gln; replaces glutamic acid 238 with glutamine.
Molecular consequence: missense variant.
Genome position (GRCh38, 1-based): chr5:80,670,229, G>C. VCF-style: chr5-80670229-G-C. GRCh37 (hg19) VCF-style: chr5-79966048-G-C.
Other names: short protein forms E238Q.
Identifiers: ClinVar variation 1757308 (VCV001757308.2), dbSNP rs2546721175, ClinGen allele CA360266845.

ClinVar aggregate classification (germline): Uncertain significance (1 of 4 stars; one submission).

Conditions:
Hereditary cancer-predisposing syndrome. Also called: Neoplastic Syndromes, Hereditary; Tumor predisposition; Hereditary Cancer Syndrome; Hereditary neoplastic syndrome. Identifiers: Orphanet 140162, MedGen C0027672, MeSH D009386, MONDO:0015356.

Submission:

Ambry Genetics
Classification: Uncertain significance for Hereditary cancer-predisposing syndrome. Last evaluated: 2021-03-10. Review status: criteria provided, single submitter. Criteria: Ambry Variant Classification Scheme 2023. Collection method: clinical testing. Allele origin: germline.
Comment: The p.E238Q variant (also known as c.712G>C), located in coding exon 4 of the MSH3 gene, results from a G to C substitution at nucleotide position 712. The glutamic acid at codon 238 is replaced by glutamine, an amino acid with highly similar properties. This amino acid position is not well conserved in available vertebrate species. In addition, this alteration is predicted to be tolerated by in silico analysis. Since supporting evidence is limited at this time, the clinical significance of this alteration remains unclear.